The following is an entry in ClinVar:

NM_002317.7(LOX):c.734T>C (p.Leu245Pro)

Genes: LOX (lysyl oxidase; minus strand), SRFBP1 (serum response factor binding protein 1; plus strand). Cytogenetic location: 5q23.1.
Variant type: single nucleotide variant.
Coding change: c.734T>C on transcript NM_002317.7 (MANE Select); coding-DNA position 734, T replaced by C.
Protein change: p.Leu245Pro; replaces leucine 245 with proline.
Molecular consequence: missense variant. On other transcripts: intron variant (1).
Genome position (GRCh38, 1-based): chr5:122,076,899, A>G on the plus strand (T>C on the coding strand, the complement: LOX is on the minus strand). VCF-style: chr5-122076899-A-G. GRCh37 (hg19) VCF-style: chr5-121412594-A-G.
Other names: c.44T>C, p.Leu15Pro (NM_001178102.2); c.-152+193T>C (NM_001317073.1); short protein forms L245P, L15P.
Identifiers: ClinVar variation 3721174 (VCV003721174.2).

ClinVar aggregate classification (germline): Uncertain significance (1 of 4 stars; one submission).

Submission:

Labcorp Genetics (formerly Invitae), Labcorp
Classification: Uncertain significance. Last evaluated: 2024-10-02. Review status: criteria provided, single submitter. Criteria: Invitae Variant Classification Sherloc (09022015). Collection method: clinical testing. Allele origin: germline.
Comment: This sequence change replaces leucine, which is neutral and non-polar, with proline, which is neutral and non-polar, at codon 245 of the LOX protein (p.Leu245Pro). This variant is not present in population databases (gnomAD no frequency). This variant has not been reported in the literature in individuals affected with LOX-related conditions. Invitae Evidence Modeling of protein sequence and biophysical properties (such as structural, functional, and spatial information, amino acid conservation, physicochemical variation, residue mobility, and thermodynamic stability) indicates that this missense variant is expected to disrupt LOX protein function with a positive predictive value of 95%. In summary, the available evidence is currently insufficient to determine the role of this variant in disease. Therefore, it has been classified as a Variant of Uncertain Significance.